The following is an entry in ClinVar:

NM_014334.4(FRRS1L):c.727G>T (p.Asp243Tyr)

Gene: FRRS1L (ferric chelate reductase 1 like; minus strand). Cytogenetic location: 9q31.3.
Variant type: single nucleotide variant.
Coding change: c.727G>T on transcript NM_014334.4 (MANE Select); coding-DNA position 727, G replaced by T.
Protein change: p.Asp243Tyr; replaces aspartic acid 243 with tyrosine.
Molecular consequence: missense variant.
Genome position (GRCh38, 1-based): chr9:109,137,610, C>A on the plus strand (G>T on the coding strand, the complement: FRRS1L is on the minus strand). VCF-style: chr9-109137610-C-A. GRCh37 (hg19) VCF-style: chr9-111899890-C-A.
Other names: short protein forms D243Y.
Identifiers: ClinVar variation 3764285 (VCV003764285.1).

ClinVar aggregate classification (germline): Uncertain significance (1 of 4 stars; one submission).

Submission:

GeneDx
Classification: Uncertain significance. Last evaluated: 2024-08-19. Review status: criteria provided, single submitter. Criteria: GeneDx Variant Classification Process June 2021. Collection method: clinical testing. Allele origin: germline. Affected: yes.
Comment: Not observed at significant frequency in large population cohorts (gnomAD); In silico analysis supports that this missense variant has a deleterious effect on protein structure/function; Has not been previously published as pathogenic or benign to our knowledge; In silico analysis is inconclusive as to whether the variant alters gene splicing. In the absence of RNA/functional studies, the actual effect of this sequence change is unknown.